The following is an entry in ClinVar:

ClinVar aggregate classification (germline): Likely benign (1 of 4 stars; one submission).

Conditions:
PLXNA2-related disorder. Also called: PLXNA2-related condition.

gnomAD v4.1: 10 of 1,608,890 alleles (0.00062%); highest among the groups gnomAD compares: South Asian, 0.01%; no homozygotes.

Submission:

PreventionGenetics, part of Exact Sciences
Classification: Likely benign for PLXNA2-related condition. Last evaluated: 2026-08-17. Review status: criteria provided, single submitter. Criteria: ACMG Guidelines, 2015. Collection method: clinical testing. Allele origin: germline.
Comment: This variant is classified as likely benign based on ACMG/AMP sequence variant interpretation guidelines (Richards et al. 2015 PMID: 25741868, with internal and published modifications).

NM_025179.4(PLXNA2):c.5055+10C>G

Gene: PLXNA2 (plexin A2; minus strand). Cytogenetic location: 1q32.2.
Variant type: single nucleotide variant.
Coding change: c.5055+10C>G on transcript NM_025179.4 (MANE Select); 10 bases into the intron after coding-DNA position 5055, C replaced by G.
Molecular consequence: intron variant.
Genome position (GRCh38, 1-based): chr1:208,033,309, G>C on the plus strand (C>G on the coding strand, the complement: PLXNA2 is on the minus strand). VCF-style: chr1-208033309-G-C. GRCh37 (hg19) VCF-style: chr1-208206654-G-C.
Identifiers: ClinVar variation 4990706 (VCV004990706.1).
Genomic context (GRCh38, chr1:208,033,309, plus strand): 5'-TCTGTGTTGTGGAGGGGCAGGATGTGCTCCTTTAACAAGCACTCCCTGGTCTGGGCAGAG[G>C]GGGAGTTACCTTGGTGGCCAGTAGCCGGGTCAGGTAGATCTCGGACACCATCTTGCTGCC-3'